The following is an entry in ClinVar:

ClinVar aggregate classification (germline): Pathogenic (1 of 4 stars; one submission).

Submission:

Labcorp Genetics (formerly Invitae), Labcorp
Classification: Pathogenic. Last evaluated: 2022-08-09. Review status: criteria provided, single submitter. Criteria: Invitae Variant Classification Sherloc (09022015). Collection method: clinical testing. Allele origin: germline.
Comment: This sequence change creates a premature translational stop signal (p.Phe275Serfs*3) in the SLC46A1 gene. It is expected to result in an absent or disrupted protein product. Loss-of-function variants in SLC46A1 are known to be pathogenic (PMID: 17446347, 21333572). This variant is not present in population databases (gnomAD no frequency). This variant has not been reported in the literature in individuals affected with SLC46A1-related conditions. For these reasons, this variant has been classified as Pathogenic. ClinVar contains an entry for this variant (Variation ID: 1355235).

Literature cited by the submitters: PubMed 17446347; PubMed 21333572.

NM_080669.6(SLC46A1):c.824del (p.Phe275fs)

Gene: SLC46A1 (solute carrier family 46 member 1; minus strand). Cytogenetic location: 17q11.2.
Variant type: Deletion.
Coding change: c.824del on transcript NM_080669.6 (MANE Select); coding-DNA position 824, one base deleted (T; older notation c.824delT).
Protein change: p.Phe275fs; shifts the reading frame from phenylalanine 275.
Molecular consequence: frameshift variant.
Genome position (GRCh38, 1-based): chr17:28,404,873, A deleted on the plus strand (T on the coding strand, the reverse complement: SLC46A1 is on the minus strand); the first of 2 consecutive A bases (chr17:28,404,873-28,404,874); deleting either gives the same sequence. VCF-style (leftmost placement, unchanged base first): chr17-28404872-GA-G. GRCh37 (hg19) VCF-style: chr17-26731890-GA-G.
Other names: c.824del, p.Phe275fs (NM_001242366.3); short protein forms F275fs.
Identifiers: ClinVar variation 1355235 (VCV001355235.6), dbSNP rs2142465494, ClinGen allele CA2573153174.